The following is an entry in ClinVar:

ClinVar aggregate classification (germline): Benign (1 of 4 stars; one submission).

Submission:

GeneDx
Classification: Benign. Last evaluated: 2018-06-18. Review status: criteria provided, single submitter. Criteria: GeneDx Variant Classification (06012015). Collection method: clinical testing. Allele origin: germline. Affected: yes.
Comment: This variant is considered likely benign or benign based on one or more of the following criteria: it is a conservative change, it occurs at a poorly conserved position in the protein, it is predicted to be benign by multiple in silico algorithms, and/or has population frequency not consistent with disease.

NM_001105206.3(LAMA4):c.1669-253del

Gene: LAMA4 (laminin subunit alpha 4; minus strand). Cytogenetic location: 6q21.
Variant type: Deletion.
Coding change: c.1669-253del on transcript NM_001105206.3 (MANE Select); 253 bases into the intron before coding-DNA position 1669, one base deleted (T; older notation c.1669-253delT).
Molecular consequence: intron variant.
Genome position (GRCh38, 1-based): chr6:112,159,133, A deleted on the plus strand (T on the coding strand, the reverse complement: LAMA4 is on the minus strand); the first of 4 consecutive A bases (chr6:112,159,133-112,159,136); deleting any one gives the same sequence. VCF-style (leftmost placement, unchanged base first): chr6-112159132-TA-T. GRCh37 (hg19) VCF-style: chr6-112480334-TA-T.
Other names: c.1648-253del (NM_002290.5, NM_001105207.3).
Identifiers: ClinVar variation 683586 (VCV000683586.1), dbSNP rs11338307, ClinGen allele CA144871815.
Genomic context (GRCh38, chr6:112,159,132, plus strand): 5'-ATTGCTTCCCTAGCTAGCATTCACAACCCAGAAATGCTCTACCATTTCAGACCTAAAAAC[TA>T]AAACTAAACTAAAACCTTCAATTATCCACACATGTCCCTAATGTTACTACAATACTTTTC-3'